The following is an entry in ClinVar:

ClinVar aggregate classification (germline): Conflicting classifications of pathogenicity. Review status: criteria provided, conflicting classifications (1 of 4 stars). 8 submissions from 8 submitters: Likely pathogenic (2); Uncertain significance (5); Likely benign (1). Last evaluated 2026-01-07.

Conditions:
EYS-related disorder. Also called: EYS-related condition.
Retinal dystrophy. Also called: Inherited retinal dystrophy. Identifiers: Orphanet 71862, MedGen C0854723, MeSH D058499, MONDO:0019118, HP:0000556.
Retinitis pigmentosa 25 (RP25). Identifiers: Orphanet 791, MedGen C1864446, MONDO:0011272, OMIM 602772.

Allele frequency attached by ClinVar (database versions not stated): gnomAD exomes 0.00005 and 0.00016; gnomAD 0.00006 and 0.00008; TOPMed 0.00014; ExAC 0.00018.

Submissions (8):

Myriad Genetics, Inc.
Classification: Uncertain significance for Retinitis pigmentosa 25. Last evaluated: 2026-01-07. Review status: criteria provided, single submitter. Criteria: Myriad Autosomal Dominant, Autosomal Recessive and X-Linked Classification Criteria (2023). Collection method: clinical testing. Allele origin: unknown.
Comment: NM_001142800.1(EYS):c.2953_2961del9(T985_G987del) is an in-frame deletion classified as a variant of uncertain significance in the context of retinitis pigmentosa, EYS-related. T985_G987del has been observed in cases with relevant disease (PMID: 29159838, 34689181, 31960602, 31213501, 35816039, 34178978). Relevant functional assessments of this variant are not available in the literature. T985_G987del has been observed in referenced population frequency databases. In summary, there is insufficient evidence to classify NM_001142800.1(EYS):c.2953_2961del9(T985_G987del) as pathogenic or benign. Please note: this variant was assessed in the context of healthy population screening.

Natera, Inc.
Classification: Likely pathogenic for Retinitis pigmentosa type 25. Last evaluated: 2025-10-30. Review status: criteria provided, single submitter. Criteria: Natera Variant Classification Schema (03/2026). Collection method: clinical testing. Allele origin: germline.
Comment: The c.2953_2961delACTGATGGA variant in EYS is an in-frame deletion. This variant is rare in the general population with a frequency below the threshold expected for the associated phenotype(s). This variant has been observed in one or more individuals affected with the associated recessive disease, as either homozygous or compound heterozygous with a second variant (PMID: 29159838, 31960602, 35816039). This variant results in a change to the protein length while preserving reading frame, which may disrupt normal protein structure or function. Given the available evidence, this variant is classified as Likely Pathogenic.

PreventionGenetics, part of Exact Sciences
Classification: Likely benign for EYS-related condition. Last evaluated: 2024-11-04. Review status: criteria provided, single submitter. Criteria: ACMG Guidelines, 2015. Collection method: clinical testing. Allele origin: germline.
Comment: This variant is classified as likely benign based on ACMG/AMP sequence variant interpretation guidelines (Richards et al. 2015 PMID: 25741868, with internal and published modifications).

Blueprint Genetics
Classification: Uncertain significance. Last evaluated: 2024-10-30. Review status: criteria provided, single submitter. Criteria: ACMG Guidelines, 2015. Collection method: clinical testing. Allele origin: germline.

Dept Of Ophthalmology, Nagoya University
Classification: Uncertain significance for Retinal dystrophy. Last evaluated: 2023-10-01. Review status: criteria provided, single submitter. Criteria: Submitter's publication. Collection method: research. Allele origin: germline. Affected: yes.

Baylor Genetics
Classification: Uncertain significance for Retinitis pigmentosa 25. Last evaluated: 2023-09-06. Review status: criteria provided, single submitter. Criteria: ACMG Guidelines, 2015. Collection method: clinical testing. Allele origin: unknown.

Labcorp Genetics (formerly Invitae), Labcorp
Classification: Uncertain significance. Last evaluated: 2022-10-28. Review status: criteria provided, single submitter. Criteria: Invitae Variant Classification Sherloc (09022015). Collection method: clinical testing. Allele origin: germline.
Comment: This variant, c.2953_2961del, results in the deletion of 3 amino acid(s) of the EYS protein (p.Thr985_Gly987del), but otherwise preserves the integrity of the reading frame. The frequency data for this variant in the population databases is considered unreliable, as metrics indicate poor data quality at this position in the gnomAD database. This variant has been observed in individuals with retinitis pigmentosa (PMID: 29159838). ClinVar contains an entry for this variant (Variation ID: 836535). Algorithms developed to predict the effect of sequence changes on RNA splicing suggest that this variant may disrupt the consensus splice site. In summary, the available evidence is currently insufficient to determine the role of this variant in disease. Therefore, it has been classified as a Variant of Uncertain Significance.

Juno Genomics, Hangzhou Juno Genomics, Inc
Classification: Likely pathogenic for Retinitis pigmentosa 25. Review status: criteria provided, single submitter. Criteria: ACMG Guidelines, 2015. Collection method: clinical testing. Allele origin: germline.
Comment: Protein length changes due to in-frame deletions/insertions in a non-repeat region or stop-loss variants.;For recessive disorders, detected in trans with a pathogenic variant.

Literature cited by the submitters: PubMed 29159838 (cited by 3 submitters); PubMed 31213501 (cited by Myriad Genetics, Inc.); PubMed 31960602 (cited by Myriad Genetics, Inc. and Natera, Inc.); PubMed 34178978 (cited by Myriad Genetics, Inc.); PubMed 34689181 (cited by Myriad Genetics, Inc.); PubMed 35816039 (cited by Myriad Genetics, Inc. and Natera, Inc.).

NM_001142800.2(EYS):c.2953_2961del (p.Thr985_Gly987del)

Gene: EYS (EGF-like photoreceptor maintenance factor; minus strand). Cytogenetic location: 6q12.
Variant type: Deletion.
Coding change: c.2953_2961del on transcript NM_001142800.2 (MANE Select); coding-DNA positions 2953 to 2961, 9 bases deleted (ACTGATGGA; older notation c.2953_2961delACTGATGGA).
Protein change: p.Thr985_Gly987del.
Molecular consequence: inframe deletion.
Genome position (GRCh38, 1-based): chr6:64,886,728-64,886,736, TCCATCAGT deleted on the plus strand (ACTGATGGA on the coding strand, the reverse complement: EYS is on the minus strand). VCF-style (leftmost placement, unchanged base first): chr6-64886727-ATCCATCAGT-A. GRCh37 (hg19) VCF-style: chr6-65596620-ATCCATCAGT-A.
Other names: c.2953_2961del9 (NM_001142800.1); c.2953_2961delACTGATGGA (NM_001142800.1, NM_001142800.2); c.2953_2961del, p.Thr985_Gly987del (NM_001292009.2).
Identifiers: ClinVar variation 836535 (VCV000836535.10), dbSNP rs756068592, ClinGen allele CA3877231.